The following is an entry in ClinVar:

NM_001903.5(CTNNA1):c.1369T>A (p.Leu457Ile)

Gene: CTNNA1 (catenin alpha 1; plus strand). Cytogenetic location: 5q31.2.
Variant type: single nucleotide variant.
Coding change: c.1369T>A on transcript NM_001903.5 (MANE Select); coding-DNA position 1369, T replaced by A.
Protein change: p.Leu457Ile; replaces leucine 457 with isoleucine.
Molecular consequence: missense variant. On other transcripts: 5 prime UTR variant (4), intron variant (3).
Genome position (GRCh38, 1-based): chr5:138,904,421, T>A. VCF-style: chr5-138904421-T-A. GRCh37 (hg19) VCF-style: chr5-138240110-T-A.
Other names: c.1369T>A, p.Leu457Ile (NM_001290307.3, NM_001323982.2, NM_001323983.1 and 2 more transcripts); c.1060T>A, p.Leu354Ile (NM_001290309.3); c.1000T>A, p.Leu334Ile (NM_001290310.3); c.259T>A, p.Leu87Ile (NM_001290312.1, NM_001323987.1, NM_001323988.1 and 17 more transcripts); c.-139T>A (NM_001324006.1, NM_001324007.1, NM_001324008.1 and 1 more transcripts); c.16T>A, p.Leu6Ile (NM_001324012.1, NM_001324013.1); c.1297-13321T>A (NM_001323986.2); c.187-13321T>A (NM_001324011.1); and 1 more; short protein forms L87I, L354I, L334I, L457I, L6I.
Identifiers: ClinVar variation 4007975 (VCV004007975.1).

ClinVar aggregate classification (germline): Uncertain significance (1 of 4 stars; one submission).

Conditions:
Hereditary cancer-predisposing syndrome. Also called: Tumor predisposition; Hereditary neoplastic syndrome; Neoplastic Syndromes, Hereditary; Hereditary Cancer Syndrome. Identifiers: Orphanet 140162, MedGen C0027672, MeSH D009386, MONDO:0015356.

gnomAD v4.1: 1 of 1,614,100 alleles (0.000062%); highest among the groups gnomAD compares: African/African-American, 0.0013%; no homozygotes.

Submission:

Ambry Genetics
Classification: Uncertain significance for Hereditary cancer-predisposing syndrome. Last evaluated: 2025-04-22. Review status: criteria provided, single submitter. Criteria: Ambry Variant Classification Scheme 2023. Collection method: clinical testing. Allele origin: germline.
Comment: The p.L457I variant (also known as c.1369T>A), located in coding exon 9 of the CTNNA1 gene, results from a T to A substitution at nucleotide position 1369. The leucine at codon 457 is replaced by isoleucine, an amino acid with highly similar properties. This amino acid position is well conserved in available vertebrate species. In addition, this alteration is predicted to be tolerated by in silico analysis. Based on the available evidence, the clinical significance of this variant remains unclear.